The following is an entry in ClinVar:

NM_033310.3(KCNK4):c.56C>G (p.Ser19Cys)

Genes: KCNK4-CATSPERZ (KCNK4-CATSPERZ readthrough (NMD candidate); plus strand), KCNK4 (potassium two pore domain channel subfamily K member 4; plus strand). Cytogenetic location: 11q13.1.
Variant type: single nucleotide variant.
Coding change: c.56C>G on transcript NM_033310.3 (MANE Select); coding-DNA position 56, C replaced by G.
Protein change: p.Ser19Cys; replaces serine 19 with cysteine.
Molecular consequence: missense variant. On other transcripts: non-coding transcript variant (2).
Genome position (GRCh38, 1-based): chr11:64,293,074, C>G. VCF-style: chr11-64293074-C-G. GRCh37 (hg19) VCF-style: chr11-64060546-C-G.
Other names: c.56C>G, p.Ser19Cys (NM_001317090.2); short protein forms S19C.
Identifiers: ClinVar variation 3774711 (VCV003774711.1).
Genomic context (GRCh38, chr11:64,293,074, plus strand): 5'-GCGCCATGCGCAGCACCACGCTCCTGGCCCTGCTGGCGCTGGTCTTGCTTTACTTGGTGT[C>G]TGGTGCCCTGGTGTTCCGGGCCCTGGAGCAGCCCCACGAGCAGCAGGCCCAGAGGGAGCT-3'
Protein context (NP_201567.1, residues 9-29): LLALVLLYLV[Ser19Cys]GALVFRALEQ

ClinVar aggregate classification (germline): Uncertain significance (1 of 4 stars; one submission).

Submission:

GeneDx
Classification: Uncertain significance. Last evaluated: 2024-09-25. Review status: criteria provided, single submitter. Criteria: GeneDx Variant Classification Process June 2021. Collection method: clinical testing. Allele origin: germline. Affected: yes.
Comment: In silico analysis indicates that this missense variant does not alter protein structure/function; Not observed at significant frequency in large population cohorts (gnomAD); Has not been previously published as pathogenic or benign to our knowledge